The following is an entry in ClinVar:

NM_177438.3(DICER1):c.85G>A (p.Gly29Arg)

Gene: DICER1 (dicer 1, ribonuclease III; minus strand). Cytogenetic location: 14q32.13.
Variant type: single nucleotide variant.
Coding change: c.85G>A on transcript NM_177438.3 (MANE Select); coding-DNA position 85, G replaced by A.
Protein change: p.Gly29Arg; replaces glycine 29 with arginine.
Molecular consequence: missense variant.
Genome position (GRCh38, 1-based): chr14:95,133,374, C>T on the plus strand (G>A on the coding strand, the complement: DICER1 is on the minus strand). VCF-style: chr14-95133374-C-T. GRCh37 (hg19) VCF-style: chr14-95599711-C-T.
Other names: c.85G>A (NM_177438.2); c.85G>A, p.Gly29Arg (NM_001195573.1, NM_001271282.3, NM_001291628.2 and 1 more transcripts); short protein forms G29R.
Identifiers: ClinVar variation 1052864 (VCV001052864.11), dbSNP rs2140295769, ClinGen allele CA390890510.

ClinVar aggregate classification (germline): Uncertain significance. Review status: criteria provided, multiple submitters, no conflicts (2 of 4 stars). 2 submissions from 2 submitters: Uncertain significance (2). Last evaluated 2025-05-05.

Conditions:
Hereditary cancer-predisposing syndrome. Also called: Hereditary Cancer Syndrome; Tumor predisposition; Hereditary neoplastic syndrome; Neoplastic Syndromes, Hereditary. Identifiers: Orphanet 140162, MedGen C0027672, MeSH D009386, MONDO:0015356.
DICER1-related tumor predisposition. Also called: DICER1-related pleuropulmonary blastoma cancer predisposition syndrome; DICER1 syndrome. Identifiers: Orphanet 284343, MedGen C3839822, MONDO:0100216.

Submissions (2):

Ambry Genetics
Classification: Uncertain significance for Hereditary cancer-predisposing syndrome. Last evaluated: 2025-05-05. Review status: criteria provided, single submitter. Criteria: Ambry Variant Classification Scheme 2023. Collection method: clinical testing. Allele origin: germline.
Comment: The p.G29R variant (also known as c.85G>A), located in coding exon 1 of the DICER1 gene, results from a G to A substitution at nucleotide position 85. The glycine at codon 29 is replaced by arginine, an amino acid with dissimilar properties. This amino acid position is conserved. In addition, this alteration is predicted to be deleterious by in silico analysis. Based on the available evidence, the clinical significance of this variant remains unclear.

Labcorp Genetics (formerly Invitae), Labcorp
Classification: Uncertain significance for DICER1-related tumor predisposition. Last evaluated: 2021-05-14. Review status: criteria provided, single submitter. Criteria: Invitae Variant Classification Sherloc (09022015). Collection method: clinical testing. Allele origin: germline.
Comment: Algorithms developed to predict the effect of missense changes on protein structure and function are either unavailable or do not agree on the potential impact of this missense change (SIFT: "Deleterious"; PolyPhen-2: "Probably Damaging"; Align-GVGD: "Class C0"). This variant has not been reported in the literature in individuals with DICER1-related conditions. This variant is not present in population databases (ExAC no frequency). This sequence change replaces glycine with arginine at codon 29 of the DICER1 protein (p.Gly29Arg). The glycine residue is highly conserved and there is a moderate physicochemical difference between glycine and arginine. In summary, the available evidence is currently insufficient to determine the role of this variant in disease. Therefore, it has been classified as a Variant of Uncertain Significance. Algorithms developed to predict the effect of sequence changes on RNA splicing suggest that this variant may create or strengthen a splice site, but this prediction has not been confirmed by published transcriptional studies.